The following is an entry in ClinVar:

NM_000051.4(ATM):c.7516-9T>A

Genes: ATM (ATM serine/threonine kinase; plus strand), C11orf65 (chromosome 11 open reading frame 65; minus strand). Cytogenetic location: 11q22.3.
Variant type: single nucleotide variant.
Coding change: c.7516-9T>A on transcript NM_000051.4 (MANE Select); 9 bases into the intron before coding-DNA position 7516, T replaced by A.
Molecular consequence: intron variant. On other transcripts: non-coding transcript variant (1).
Genome position (GRCh38, 1-based): chr11:108,331,435, T>A. VCF-style: chr11-108331435-T-A. GRCh37 (hg19) VCF-style: chr11-108202162-T-A.
Other names: c.7516-9T>A (NM_001351834.2); c.641-22364A>T (NM_001330368.2); c.*38+3785A>T (NM_001351110.2).
Identifiers: ClinVar variation 921553 (VCV000921553.8), dbSNP rs2086219990, ClinGen allele CA1139662180.
Genomic context (GRCh38, chr11:108,331,435, plus strand): 5'-TACTTGCTTAGATGTGAGAATATTTGAAATACCTTGTTTCTTAATTTTGTGTCTTTTTTT[T>A]AATGGTAGAGAGACGGAATGAAGATTCCAACATATAAATTTTTGCCTCTTATGTACCAAT-3'

ClinVar aggregate classification (germline): Conflicting classifications of pathogenicity. Review status: criteria provided, conflicting classifications (1 of 4 stars). 2 submissions from 2 submitters: Uncertain significance (1); Likely benign (1). Last evaluated 2023-07-28.

Conditions:
Hereditary cancer-predisposing syndrome. Also called: Tumor predisposition; Neoplastic Syndromes, Hereditary; Hereditary neoplastic syndrome; Hereditary Cancer Syndrome. Identifiers: Orphanet 140162, MedGen C0027672, MeSH D009386, MONDO:0015356.
Ataxia-telangiectasia syndrome (AT). Also called: Ataxia-telangiectasia, complementation group D; AT, COMPLEMENTATION GROUP C; ATAXIA-TELANGIECTASIA, COMPLEMENTATION GROUP A; ATAXIA-TELANGIECTASIA, FRESNO VARIANT; Ataxia-telangiectasia; Ataxia telangiectasia (A-T). Identifiers: Orphanet 100, MedGen C0004135, MONDO:0008840, OMIM 208900.

Allele frequency attached by ClinVar (database versions not stated): gnomAD exomes below 0.00001.
gnomAD v4.1: 1 of 1,611,562 alleles (0.000062%); highest among the groups gnomAD compares: South Asian, 0.0011%; no homozygotes.

Submissions (2):

Labcorp Genetics (formerly Invitae), Labcorp
Classification: Likely benign for Ataxia-telangiectasia syndrome. Last evaluated: 2023-07-28. Review status: criteria provided, single submitter. Criteria: Invitae Variant Classification Sherloc (09022015). Collection method: clinical testing. Allele origin: germline.

Color Diagnostics, LLC DBA Color Health
Classification: Uncertain significance for Hereditary cancer-predisposing syndrome. Last evaluated: 2020-02-04. Review status: criteria provided, single submitter. Criteria: ACMG Guidelines, 2015. Collection method: clinical testing. Allele origin: germline.
Comment: This variant causes a T>A nucleotide substitution at the -9 position of intron 50 of the ATM gene. Splice site prediction tools are inconclusive regarding the impact of this variant on RNA splicing. To our knowledge, functional studies have not been performed for this variant. This variant has not been reported in individuals affected with hereditary cancer in the literature. This variant has not been identified in the general population by the Genome Aggregation Database (gnomAD). The available evidence is insufficient to determine the role of this variant in disease conclusively. Therefore, this variant is classified as a Variant of Uncertain Significance.